The following is an entry in ClinVar:

ClinVar aggregate classification (germline): Uncertain significance (1 of 4 stars; one submission).

Conditions:
Bardet-Biedl syndrome (BBS). Identifiers: Orphanet 110, MedGen C0752166, MONDO:0015229.

Submission:

Labcorp Genetics (formerly Invitae), Labcorp
Classification: Uncertain significance for Bardet-Biedl syndrome. Last evaluated: 2021-07-17. Review status: criteria provided, single submitter. Criteria: Invitae Variant Classification Sherloc (09022015). Collection method: clinical testing. Allele origin: germline.
Comment: This variant is not present in population databases (ExAC no frequency). This variant has not been reported in the literature in individuals affected with TRIM32-related conditions. Algorithms developed to predict the effect of missense changes on protein structure and function (SIFT, PolyPhen-2, Align-GVGD) all suggest that this variant is likely to be disruptive. In summary, the available evidence is currently insufficient to determine the role of this variant in disease. Therefore, it has been classified as a Variant of Uncertain Significance. This sequence change replaces leucine with valine at codon 107 of the TRIM32 protein (p.Leu107Val). The leucine residue is highly conserved and there is a small physicochemical difference between leucine and valine.

NM_012210.4(TRIM32):c.319C>G (p.Leu107Val)

Genes: ASTN2 (astrotactin 2; minus strand), TRIM32 (tripartite motif containing 32; plus strand). Cytogenetic location: 9q33.1.
Variant type: single nucleotide variant.
Coding change: c.319C>G on transcript NM_012210.4 (MANE Select); coding-DNA position 319, C replaced by G.
Protein change: p.Leu107Val; replaces leucine 107 with valine.
Molecular consequence: missense variant. On other transcripts: intron variant (3).
Genome position (GRCh38, 1-based): chr9:116,698,061, C>G. VCF-style: chr9-116698061-C-G. GRCh37 (hg19) VCF-style: chr9-119460340-C-G.
Other names: c.319C>G, p.Leu107Val (NM_001099679.2, NM_001379048.1, NM_001379049.1 and 1 more transcripts); c.2653+27710G>C (NM_014010.5); c.2794+27710G>C (NM_001365069.1); c.2806+27710G>C (NM_001365068.1); short protein forms L107V.
Identifiers: ClinVar variation 1406220 (VCV001406220.8), dbSNP rs886042410, ClinGen allele CA374648083.
Genomic context (GRCh38, chr9:116,698,061, plus strand): 5'-GATACAGCTGGGCTCAGCGAGGCTGTGGGGCTGCTCATGTGTCGGTCCTGTGGGCGGCGT[C>G]TGCCCCGGCAATTCTGCCGGAGCTGTGGTTTGGTGTTATGTGAGCCCTGCCGGGAGGCAG-3'
Protein context (NP_036342.2, residues 97-117): LLMCRSCGRR[Leu107Val]PRQFCRSCGL